The following is an entry in ClinVar:

ClinVar aggregate classification (germline): Conflicting classifications of pathogenicity. Review status: criteria provided, conflicting classifications (1 of 4 stars). 2 submissions from 2 submitters: Likely pathogenic (1); Uncertain significance (1). Last evaluated 2020-05-21.

Conditions:
Hereditary cancer-predisposing syndrome. Also called: Tumor predisposition; Hereditary Cancer Syndrome; Neoplastic Syndromes, Hereditary; Hereditary neoplastic syndrome. Identifiers: Orphanet 140162, MedGen C0027672, MeSH D009386, MONDO:0015356.

Submissions (2):

Quest Diagnostics Nichols Institute San Juan Capistrano
Classification: Uncertain significance. Last evaluated: 2020-05-21. Review status: criteria provided, single submitter. Criteria: Quest Diagnostics criteria. Collection method: clinical testing. Allele origin: unknown.

Ambry Genetics
Classification: Likely pathogenic for Hereditary cancer-predisposing syndrome. Last evaluated: 2018-11-09. Review status: criteria provided, single submitter. Criteria: Ambry Variant Classification Scheme 2023. Collection method: clinical testing. Allele origin: germline.
Comment: The c.8425dupG variant, located in coding exon 15 of the APC gene, results from a duplication of G at nucleotide position 8425, causing a translational frameshift with a predicted alternate stop codon (p.V2809Gfs*3). This frameshift occurs at the 3' terminus of APC and impacts the last 35 amino acids of the protein. The exact functional impact of these amino acids is unknown at this time; however, structural analysis suggests this deletion removes a known motif (Thr2841-Ser2842-Val2843) needed for protein binding involved in regulation of protein function (Slep KC et al, PLoS ONE 2012; 7(11):e50097 ; Zhang Z et al, PLoS ONE 2011 ; 6(8):e23507). Based on the majority of available evidence to date, this variant is likely to be pathogenic.

NM_000038.6(APC):c.8425dup (p.Val2809fs)

Gene: APC (APC regulator of Wnt signaling pathway; plus strand). Cytogenetic location: 5q22.2.
Variant type: Duplication.
Coding change: c.8425dup on transcript NM_000038.6 (MANE Select); coding-DNA position 8425, one base duplicated (G; older notation c.8425dupG).
Protein change: p.Val2809fs; shifts the reading frame from valine 2809.
Molecular consequence: frameshift variant.
Genome position (GRCh38, 1-based): chr5:112,844,019, G duplicated. VCF-style (leftmost placement, unchanged base first): chr5-112844018-A-AG. GRCh37 (hg19) VCF-style: chr5-112179715-A-AG.
Other names: c.8425dup, p.Val2809fs (NM_001127510.3, NM_001354895.2); c.8371dup, p.Val2791fs (NM_001127511.3); c.8479dup, p.Val2827fs (NM_001354896.2); c.8455dup, p.Val2819fs (NM_001354897.2); c.8350dup, p.Val2784fs (NM_001354898.2); c.8341dup, p.Val2781fs (NM_001354899.2); c.8302dup, p.Val2768fs (NM_001354900.2); c.8248dup, p.Val2750fs (NM_001354901.2); and 6 more; short protein forms V2768fs, V2819fs, V2683fs, V2781fs, V2809fs, V2827fs, V2526fs, V2649fs.
Identifiers: ClinVar variation 822406 (VCV000822406.5), dbSNP rs1580693467, ClinGen allele CA915943528.